The following is an entry in ClinVar:

NM_000278.5(PAX2):c.360C>T (p.Ala120=)

Gene: PAX2 (paired box 2; plus strand). Cytogenetic location: 10q24.31.
Variant type: single nucleotide variant.
Coding change: c.360C>T on transcript NM_000278.5 (MANE Select); coding-DNA position 360, C replaced by T.
Protein change: p.Ala120=; no amino-acid change (alanine 120 retained).
Molecular consequence: synonymous variant.
Genome position (GRCh38, 1-based): chr10:100,750,841, C>T. VCF-style: chr10-100750841-C-T. GRCh37 (hg19) VCF-style: chr10-102510598-C-T.
Other names: c.453C>T, p.Ala151= (NM_001304569.2); c.360C>T, p.Ala120= (NM_003987.5, NM_003988.5, NM_003989.5 and 1 more transcripts).
Identifiers: ClinVar variation 94386 (VCV000094386.57), dbSNP rs41291450, ClinGen allele CA222240.
Genomic context (GRCh38, chr10:100,750,841, plus strand): 5'-TGAATACAAACGACAGAACCCGACTATGTTCGCCTGGGAGATTCGAGACCGGCTCCTGGC[C>T]GAGGGCATCTGTGACAATGACACAGTGCCCAGCGTCTCTTCCATCAACAGGTGAGCAAGC-3'
Protein context (NP_000269.3, residues 110-130): FAWEIRDRLL[Ala120=]EGICDNDTVP

ClinVar aggregate classification (germline): Conflicting classifications of pathogenicity. Review status: criteria provided, conflicting classifications (1 of 4 stars). 8 submissions from 8 submitters: Uncertain significance (1); Benign (2); Likely benign (2). 3 of the submissions do not count toward it. Last evaluated 2026-09-01.

Conditions:
Focal segmental glomerulosclerosis 7 (FSGS7). Identifiers: Orphanet 656, MedGen C4014925, MONDO:0014451, OMIM 616002.
Renal coloboma syndrome (PAPRS). Also called: PAPILLORENAL SYNDROME WITH MILD OCULAR ABNORMALITIES; OPTIC COLOBOMA, VESICOURETERAL REFLUX, AND RENAL ANOMALIES; OPTIC NERVE COLOBOMA WITH RENAL DISEASE; RENAL-COLOBOMA SYNDROME WITH MACULAR ABNORMALITIES; PAPILLORENAL SYNDROME; COLOBOMA OF OPTIC NERVE WITH RENAL DISEASE. Identifiers: Orphanet 1475, MedGen C1852759, MONDO:0007352, OMIM 120330.

Allele frequency attached by ClinVar (database versions not stated): ExAC 0.00336; 1000 Genomes Project 30x 0.00156; 1000 Genomes Project 0.00180; TOPMed 0.00236; gnomAD 0.00262 and 0.00270; gnomAD exomes 0.00288 and 0.00329; ESP Exome Variant Server 0.00323.
gnomAD v4.1: 5,187 of 1,614,148 alleles (0.32%); highest among the groups gnomAD compares: Non-Finnish European, 0.38%; 18 homozygotes.

Submissions (8):

CeGaT Center for Human Genetics Tuebingen
Classification: Likely benign. Last evaluated: 2026-09-01. Review status: criteria provided, single submitter. Criteria: CeGaT Center For Human Genetics Tuebingen Variant Classification Criteria Version 2. Collection method: clinical testing. Allele origin: germline. Affected: yes. Observed: 7 variant alleles.
Comment: PAX2: BP4, BP7, BS2

Labcorp Genetics (formerly Invitae), Labcorp
Classification: Benign for Renal coloboma syndrome; Focal segmental glomerulosclerosis 7. Last evaluated: 2026-01-29. Review status: criteria provided, single submitter. Criteria: Invitae Variant Classification Sherloc (09022015). Collection method: clinical testing. Allele origin: germline.

Blueprint Genetics
Classification: Likely benign. Last evaluated: 2024-11-25. Review status: criteria provided, single submitter. Criteria: ACMG Guidelines, 2015. Collection method: clinical testing. Allele origin: germline.

GeneDx
Classification: Benign. Last evaluated: 2015-03-03. Review status: criteria provided, single submitter. Criteria: GeneDx Variant Classification Process June 2021. Collection method: clinical testing. Allele origin: germline. Affected: yes.

Eurofins Ntd Llc (ga)
Classification: Uncertain significance. Last evaluated: 2013-07-30. Review status: criteria provided, single submitter. Criteria: EGL Classification Definitions 2015. Collection method: clinical testing. Allele origin: germline. Observed: 1 variant allele, 1 heterozygote.

Clinical Genetics DNA and cytogenetics Diagnostics Lab, Erasmus MC, Erasmus Medical Center
Classification: Likely benign. Review status: no assertion criteria provided. Collection method: clinical testing. Allele origin: germline. Affected: yes. Study: VKGL Data-share Consensus. Not counted in ClinVar's aggregate classification.

Clinical Genetics, Academic Medical Center
Classification: Benign. Review status: no assertion criteria provided. Collection method: clinical testing. Allele origin: germline. Affected: yes. Study: VKGL Data-share Consensus. Not counted in ClinVar's aggregate classification.

Genome Diagnostics Laboratory, University Medical Center Utrecht
Classification: Likely benign. Review status: no assertion criteria provided. Collection method: clinical testing. Allele origin: germline. Affected: yes. Study: VKGL Data-share Consensus. Not counted in ClinVar's aggregate classification.